The following is an entry in ClinVar:

NM_001103.4(ACTN2):c.2402T>A (p.Val801Glu)

Gene: ACTN2 (actinin alpha 2; plus strand). Cytogenetic location: 1q43.
Variant type: single nucleotide variant.
Coding change: c.2402T>A on transcript NM_001103.4 (MANE Select); coding-DNA position 2402, T replaced by A.
Protein change: p.Val801Glu; replaces valine 801 with glutamic acid.
Molecular consequence: missense variant. On other transcripts: non-coding transcript variant (1).
Genome position (GRCh38, 1-based): chr1:236,761,049, T>A. VCF-style: chr1-236761049-T-A. GRCh37 (hg19) VCF-style: chr1-236924349-T-A.
Other names: c.2402T>A, p.Val801Glu (NM_001278343.2); short protein forms V801E.
Identifiers: ClinVar variation 4002246 (VCV004002246.1).

ClinVar aggregate classification (germline): Uncertain significance (1 of 4 stars; one submission).

Conditions:
Cardiovascular phenotype. Identifiers: MedGen CN230736.

Submission:

Ambry Genetics
Classification: Uncertain significance for Cardiovascular phenotype. Last evaluated: 2025-05-26. Review status: criteria provided, single submitter. Criteria: Ambry Variant Classification Scheme 2023. Collection method: clinical testing. Allele origin: germline.
Comment: The p.V801E variant (also known as c.2402T>A), located in coding exon 20 of the ACTN2 gene, results from a T to A substitution at nucleotide position 2402. The valine at codon 801 is replaced by glutamic acid, an amino acid with dissimilar properties. This amino acid position is conserved. In addition, this alteration is predicted to be deleterious by in silico analysis. Based on the available evidence, the clinical significance of this variant remains unclear.